The following is an entry in ClinVar:

ClinVar aggregate classification (germline): Pathogenic (1 of 4 stars; one submission).

Conditions:
Hereditary angioedema type 1 (HAE1). Identifiers: Orphanet 100050, Orphanet 100051, Orphanet 91378, MedGen C2717906, MONDO:0015053, OMIM 106100.

Submission:

Division of Rheumatology, Allergy and Immunology, UCSD
Classification: Pathogenic for Hereditary angioedema type 1. Last evaluated: 2020-08-25. Review status: criteria provided, single submitter. Criteria: ACMG Guidelines, 2015. Collection method: research. Allele origin: somatic. Affected: yes. Observed: 1 variant allele.
Comment: Predicted loss-of-function (LOF) associated with low C1-INH plasma levels in patients with hereditary angioedema symptoms.

NM_000062.3(SERPING1):c.686-1G>A

Gene: SERPING1 (serpin family G member 1; plus strand). Cytogenetic location: 11q12.1.
Variant type: single nucleotide variant.
Coding change: c.686-1G>A on transcript NM_000062.3 (MANE Select); the canonical splice acceptor site of the intron before coding-DNA position 686, G replaced by A.
Molecular consequence: splice acceptor variant.
Genome position (GRCh38, 1-based): chr11:57,606,009, G>A. VCF-style: chr11-57606009-G-A. GRCh37 (hg19) VCF-style: chr11-57373482-G-A.
Other names: c.686-1G>A (NM_001032295.2).
Identifiers: ClinVar variation 979216 (VCV000979216.3), dbSNP rs1945404833, ClinGen allele CA380698482.